The following is an entry in ClinVar:

ClinVar aggregate classification (germline): Pathogenic (1 of 4 stars; one submission).

Submission:

GeneDx
Classification: Pathogenic. Last evaluated: 2025-06-02. Review status: criteria provided, single submitter. Criteria: GeneDx Variant Classification Process June 2021. Collection method: clinical testing. Allele origin: germline. Affected: yes.
Comment: Frameshift variant predicted to result in protein truncation or nonsense mediated decay in a gene for which loss of function is a known mechanism of disease; Not observed at significant frequency in large population cohorts (gnomAD); This variant is associated with the following publications: (PMID: 35982159, 33057194)

NM_003482.4(KMT2D):c.5438_5441del (p.Glu1813fs)

Gene: KMT2D (lysine methyltransferase 2D; minus strand). Cytogenetic location: 12q13.12.
Variant type: Deletion.
Coding change: c.5438_5441del on transcript NM_003482.4 (MANE Select); coding-DNA positions 5438 to 5441, 4 bases deleted (AAAG; older notation c.5438_5441delAAAG).
Protein change: p.Glu1813fs; shifts the reading frame from glutamic acid 1813.
Molecular consequence: frameshift variant.
Genome position (GRCh38, 1-based): chr12:49,043,661-49,043,664, CTTT deleted on the plus strand (AAAG on the coding strand, the reverse complement: KMT2D is on the minus strand); deleting any 4 consecutive bases within chr12:49,043,661-49,043,666 gives the same sequence; the c. name uses the placement nearest the transcript's 3' end. VCF-style (leftmost placement, unchanged base first): chr12-49043660-CCTTT-C. GRCh37 (hg19) VCF-style: chr12-49437443-CCTTT-C.
Other names: c.5436_5439delAGAA, p.Glu1813Glyfs (NM_003482.3); short protein forms E1813fs.
Identifiers: ClinVar variation 4536228 (VCV004536228.1).